The following is an entry in ClinVar:

NM_000355.4(TCN2):c.766dup (p.Ser256fs)

Gene: TCN2 (transcobalamin 2; plus strand). Cytogenetic location: 22q12.2.
Variant type: Duplication.
Coding change: c.766dup on transcript NM_000355.4 (MANE Select); coding-DNA position 766, one base duplicated (T; older notation c.766dupT).
Protein change: p.Ser256fs; shifts the reading frame from serine 256.
Molecular consequence: frameshift variant.
Genome position (GRCh38, 1-based): chr22:30,615,613, T duplicated; the last of 2 consecutive T bases (chr22:30,615,612-30,615,613); duplicating either gives the same sequence. VCF-style (leftmost placement, unchanged base first): chr22-30615611-C-CT. GRCh37 (hg19) VCF-style: chr22-31011598-C-CT.
Other names: c.685dup, p.Ser229fs (NM_001184726.2); c.766dupT (NM_000355.3); short protein forms S256fs, S229fs.
Identifiers: ClinVar variation 460319 (VCV000460319.6), dbSNP rs1555895066, ClinGen allele CA658658909.
Genomic context (GRCh38, chr22:30,615,611, plus strand): 5'-CCCCTCCCTGCCGGCTGACTTCCTCTCTCTCTTCCTCACTCTATCACCAGTTCCTCATGA[C>CT]TTCCCCCATGCGTGGGGCAGAACTGGGAACAGCATGTCTCAAGGCGAGGGTTGCTTTGCT-3'

ClinVar aggregate classification (germline): Pathogenic. Review status: criteria provided, multiple submitters, no conflicts (2 of 4 stars). 2 submissions from 2 submitters: Pathogenic (2). Last evaluated 2020-12-14.

Conditions:
Transcobalamin II deficiency (TCN2D). Also called: TC II DEFICIENCY; TCN2 DEFICIENCY; Transcolabamin II deficiency. Identifiers: Orphanet 859, MedGen C0342701, MONDO:0010149, OMIM 275350.

Submissions (2):

Revvity Omics, Revvity
Classification: Pathogenic for Transcobalamin II deficiency. Last evaluated: 2020-12-14. Review status: criteria provided, single submitter. Criteria: ACMG Guidelines, 2015. Collection method: clinical testing. Allele origin: germline.

Labcorp Genetics (formerly Invitae), Labcorp
Classification: Pathogenic for Transcobalamin II deficiency. Last evaluated: 2017-06-28. Review status: criteria provided, single submitter. Criteria: Invitae Variant Classification Sherloc (09022015). Collection method: clinical testing. Allele origin: germline.
Comment: This sequence change creates a premature translational stop signal (p.Ser256Phefs*48) in the TCN2 gene. It is expected to result in an absent or disrupted protein product. This variant is not present in population databases (ExAC no frequency). This variant has not been reported in the literature in individuals with TCN2-related disease. Loss-of-function variants in TCN2 are known to be pathogenic (PMID: 7980584, 20352340). For these reasons, this variant has been classified as Pathogenic.

Literature cited by the submitters: PubMed 7980584 (cited by Labcorp Genetics (formerly Invitae), Labcorp); PubMed 20352340 (cited by Labcorp Genetics (formerly Invitae), Labcorp).